The following is an entry in ClinVar:

ClinVar aggregate classification (germline): Uncertain significance. Review status: criteria provided, multiple submitters, no conflicts (2 of 4 stars). 3 submissions from 3 submitters: Uncertain significance (3). Last evaluated 2023-02-10.

Conditions:
Cardiomyopathy (CMYO). Also called: Cardiomyopathies. Identifiers: Orphanet 167848, MedGen C0878544, MONDO:0004994, HP:0001638. Inheritance: Various modes of inheritance.
Arrhythmogenic right ventricular dysplasia 5. Also called: Arrhythmogenic Right Ventricular Dysplasia/Cardiomyopathy 5; ARRHYTHMOGENIC RIGHT VENTRICULAR DYSPLASIA, FAMILIAL, 5. Identifiers: MedGen C1858379, MONDO:0011459, OMIM 604400.

Allele frequency attached by ClinVar (database versions not stated): gnomAD exomes below 0.00001.
gnomAD v4.1: 6 of 1,614,110 alleles (0.00037%); highest among the groups gnomAD compares: Non-Finnish European, 0.00051%; no homozygotes.

Submissions (3):

All of Us Research Program, National Institutes of Health
Classification: Uncertain significance for Arrhythmogenic right ventricular dysplasia 5. Last evaluated: 2023-02-10. Review status: criteria provided, single submitter. Criteria: ACMG Guidelines, 2015. Collection method: clinical testing. Allele origin: germline. Inheritance: Autosomal dominant inheritance. Observed: 1 variant allele, 1 heterozygote.
Comment: Variant of Uncertain Significance due to insufficient evidence: This variant changes 1 nucleotide in exon 8 of the TMEM43 gene, creating a premature translation stop signal. This variant is expected to result in an absent or non-functional protein product. To our knowledge, functional assays have not been performed for this variant nor has this variant been reported in individuals affected with cardiovascular disorders in the literature. This variant has been identified in 1/246118 chromosomes in the general population by the Genome Aggregation Database (gnomAD). The role of TMEM43 truncation variants in cardiomyopathy is not clearly established. Available evidence is insufficient to determine the pathogenicity of this variant conclusively.

This study involves interpretation of variants in research participants for the purpose of population health screening. Participant phenotype was not available at the time of variant classification. Additional details can be found in publication PMID: 35346344, PMCID: PMC8962531

Labcorp Genetics (formerly Invitae), Labcorp
Classification: Uncertain significance for Arrhythmogenic right ventricular dysplasia 5. Last evaluated: 2023-01-15. Review status: criteria provided, single submitter. Criteria: Invitae Variant Classification Sherloc (09022015). Collection method: clinical testing. Allele origin: germline.
Comment: This sequence change creates a premature translational stop signal (p.Tyr233*) in the TMEM43 gene. It is expected to result in an absent or disrupted protein product. However, the current clinical and genetic evidence is not sufficient to establish whether loss-of-function variants in TMEM43 cause disease. This variant is present in population databases (no rsID available, gnomAD 0.0009%). This variant has not been reported in the literature in individuals affected with TMEM43-related conditions. ClinVar contains an entry for this variant (Variation ID: 919319). In summary, the available evidence is currently insufficient to determine the role of this variant in disease. Therefore, it has been classified as a Variant of Uncertain Significance.

Color Diagnostics, LLC DBA Color Health
Classification: Uncertain significance for Cardiomyopathy. Last evaluated: 2018-12-04. Review status: criteria provided, single submitter. Criteria: ACMG Guidelines, 2015. Collection method: clinical testing. Allele origin: germline.
Comment: Variant of Uncertain Significance due to insufficient evidence: This variant changes 1 nucleotide in exon 8 of the TMEM43 gene, creating a premature translation stop signal. This variant is expected to result in an absent or non-functional protein product. To our knowledge, functional assays have not been performed for this variant nor has this variant been reported in individuals affected with cardiovascular disorders in the literature. This variant has been identified in 1/246118 chromosomes in the general population by the Genome Aggregation Database (gnomAD). The role of TMEM43 truncation variants in cardiomyopathy is not clearly established. Available evidence is insufficient to determine the pathogenicity of this variant conclusively.

NM_024334.3(TMEM43):c.699T>A (p.Tyr233Ter)

Gene: TMEM43 (transmembrane protein 43; plus strand). Cytogenetic location: 3p25.1.
Variant type: single nucleotide variant.
Coding change: c.699T>A on transcript NM_024334.3 (MANE Select); coding-DNA position 699, T replaced by A.
Protein change: p.Tyr233Ter; replaces tyrosine 233 with a stop codon.
Molecular consequence: nonsense.
Genome position (GRCh38, 1-based): chr3:14,134,885, T>A. VCF-style: chr3-14134885-T-A. GRCh37 (hg19) VCF-style: chr3-14176385-T-A.
Other names: short protein forms Y233*.
Identifiers: ClinVar variation 919319 (VCV000919319.7), dbSNP rs1321317891, ClinGen allele CA351535673.
Genomic context (GRCh38, chr3:14,134,885, plus strand): 5'-CCCTCATGTGGACATCATTCGCCGTGGAGACTTTTTCTACCACAGCGAAAATCCCAAGTA[T>A]CCAGAGGTGTGCGGAGAGGCCTGGGCTCTCCAAATAGGAGGGTCAGGGCGCTAGGATCAG-3'